The following is an entry in ClinVar:

NM_001099271.2(POC5):c.419A>G (p.Asp140Gly)

Gene: POC5 (POC5 centriolar protein; minus strand). Cytogenetic location: 5q13.3.
Variant type: single nucleotide variant.
Coding change: c.419A>G on transcript NM_001099271.2 (MANE Select); coding-DNA position 419, A replaced by G.
Protein change: p.Asp140Gly; replaces aspartic acid 140 with glycine.
Molecular consequence: missense variant.
Genome position (GRCh38, 1-based): chr5:75,702,699, T>C on the plus strand (A>G on the coding strand, the complement: POC5 is on the minus strand). VCF-style: chr5-75702699-T-C. GRCh37 (hg19) VCF-style: chr5-74998524-T-C.
Other names: c.344A>G, p.Asp115Gly (NM_152408.3); c.419A>G (NM_001099271.1); short protein forms D140G, D115G.
Identifiers: ClinVar variation 3679955 (VCV003679955.3).
Genomic context (GRCh38, chr5:75,702,699, plus strand): 5'-TCCATCTTCTGAAGGTTTTCATCAGAAACAAGAAAATCGCTCACAAGTATTTCATGGGCA[T>C]CTGTATGACTAGAATTTGTTGCTGGTGAGGAAGAGTCAGCTAAAAGATGTGAACTGAAAA-3'
Protein context (NP_001092741.1, residues 130-150): SSPATNSSHT[Asp140Gly]AHEILVSDFL

ClinVar aggregate classification (germline): Uncertain significance. Review status: criteria provided, multiple submitters, no conflicts (2 of 4 stars). 2 submissions from 2 submitters: Uncertain significance (2). Last evaluated 2025-08-28.

gnomAD v4.1: 1 of 1,610,872 alleles (0.000062%); no homozygotes.

Submissions (2):

Ambry Genetics
Classification: Uncertain significance. Last evaluated: 2025-08-28. Review status: criteria provided, single submitter. Criteria: Ambry Variant Classification Scheme 2023. Collection method: clinical testing. Allele origin: germline.

Labcorp Genetics (formerly Invitae), Labcorp
Classification: Uncertain significance. Last evaluated: 2024-11-19. Review status: criteria provided, single submitter. Criteria: Invitae Variant Classification Sherloc (09022015). Collection method: clinical testing. Allele origin: germline.
Comment: This sequence change replaces aspartic acid, which is acidic and polar, with glycine, which is neutral and non-polar, at codon 140 of the POC5 protein (p.Asp140Gly). This variant is not present in population databases (gnomAD no frequency). This variant has not been reported in the literature in individuals affected with POC5-related conditions. An algorithm developed to predict the effect of missense changes on protein structure and function outputs the following: PolyPhen-2: "Benign". The glycine amino acid residue is found in multiple mammalian species, which suggests that this missense change does not adversely affect protein function. In summary, the available evidence is currently insufficient to determine the role of this variant in disease. Therefore, it has been classified as a Variant of Uncertain Significance.